The following is an entry in ClinVar:

NM_001144061.2(COPB1):c.2472C>T (p.Ile824=)

Gene: COPB1 (coat protein complex I subunit beta 1; minus strand). Cytogenetic location: 11p15.2.
Variant type: single nucleotide variant.
Coding change: c.2472C>T on transcript NM_001144061.2 (MANE Select); coding-DNA position 2472, C replaced by T.
Protein change: p.Ile824=; no amino-acid change (isoleucine 824 retained).
Molecular consequence: synonymous variant.
Genome position (GRCh38, 1-based): chr11:14,461,270, G>A on the plus strand (C>T on the coding strand, the complement: COPB1 is on the minus strand). VCF-style: chr11-14461270-G-A. GRCh37 (hg19) VCF-style: chr11-14482816-G-A.
Other names: c.2472C>T, p.Ile824= (NM_001144062.2, NM_016451.5).
Identifiers: ClinVar variation 5040871 (VCV005040871.1).

ClinVar aggregate classification (germline): Likely benign (1 of 4 stars; one submission).

gnomAD v4.1: 15 of 1,614,012 alleles (0.00093%); highest among the groups gnomAD compares: African/African-American, 0.0013%; no homozygotes.

Submission:

CeGaT Center for Human Genetics Tuebingen
Classification: Likely benign. Last evaluated: 2026-09-01. Review status: criteria provided, single submitter. Criteria: CeGaT Center For Human Genetics Tuebingen Variant Classification Criteria Version 2. Collection method: clinical testing. Allele origin: germline. Affected: yes. Observed: 1 variant allele.
Comment: COPB1: BP4, BP7